The following is an entry in ClinVar:

NM_002734.5(PRKAR1A):c.725A>C (p.Lys242Thr)

Gene: PRKAR1A (protein kinase cAMP-dependent type I regulatory subunit alpha; plus strand). Cytogenetic location: 17q24.2.
Variant type: single nucleotide variant.
Coding change: c.725A>C on transcript NM_002734.5 (MANE Select); coding-DNA position 725, A replaced by C.
Protein change: p.Lys242Thr; replaces lysine 242 with threonine.
Molecular consequence: missense variant.
Genome position (GRCh38, 1-based): chr17:68,527,856, A>C. VCF-style: chr17-68527856-A-C. GRCh37 (hg19) VCF-style: chr17-66523997-A-C.
Other names: c.725A>C, p.Lys242Thr (NM_001276289.2, NM_001276290.1, NM_001278433.2 and 4 more transcripts); short protein forms K242T.
Identifiers: ClinVar variation 2625070 (VCV002625070.2), dbSNP rs879148650, ClinGen allele CA293292716.

ClinVar aggregate classification (germline): Uncertain significance (1 of 4 stars; one submission).

Conditions:
Hereditary cancer-predisposing syndrome. Also called: Tumor predisposition; Hereditary Cancer Syndrome; Hereditary neoplastic syndrome; Neoplastic Syndromes, Hereditary. Identifiers: Orphanet 140162, MedGen C0027672, MeSH D009386, MONDO:0015356.

Submission:

Ambry Genetics
Classification: Uncertain significance for Hereditary cancer-predisposing syndrome. Last evaluated: 2023-07-27. Review status: criteria provided, single submitter. Criteria: Ambry Variant Classification Scheme 2023. Collection method: clinical testing. Allele origin: germline.
Comment: The p.K242T variant (also known as c.725A>C), located in coding exon 7 of the PRKAR1A gene, results from an A to C substitution at nucleotide position 725. The lysine at codon 242 is replaced by threonine, an amino acid with similar properties. This amino acid position is conserved. In addition, this alteration is predicted to be deleterious by in silico analysis. Since supporting evidence is limited at this time, the clinical significance of this alteration remains unclear.